The following is an entry in ClinVar:

NM_001101426.4(CRPPA):c.1026+111A>G

Genes: CRPPA (CDP-L-ribitol pyrophosphorylase A; minus strand), CRPPA-AS1 (CRPPA antisense RNA 1; plus strand). Cytogenetic location: 7p21.2.
Variant type: single nucleotide variant.
Coding change: c.1026+111A>G on transcript NM_001101426.4 (MANE Select); 111 bases into the intron after coding-DNA position 1026, A replaced by G.
Molecular consequence: intron variant.
Genome position (GRCh38, 1-based): chr7:16,258,809, T>C on the plus strand (A>G on the coding strand, the complement: CRPPA is on the minus strand). VCF-style: chr7-16258809-T-C. GRCh37 (hg19) VCF-style: chr7-16298434-T-C.
Other names: c.876+111A>G (NM_001101417.4); c.921+111A>G (NM_001368197.1).
Identifiers: ClinVar variation 682000 (VCV000682000.1), dbSNP rs1295153, ClinGen allele CA154745687.
Genomic context (GRCh38, chr7:16,258,809, plus strand): 5'-ATTATGGGAATTAGCTTGTTGAAAGTATTATTTCTCTTTCAAAGATAAAATCTCCAAAAA[T>C]GTGTAGAAGAACTCATCATAATATCATATATAAATATTTAAGAATCAAATTAGTTCTCTT-3'

ClinVar aggregate classification (germline): Benign (1 of 4 stars; one submission).

Allele frequency attached by ClinVar (database versions not stated): gnomAD exomes 0.73357; 1000 Genomes Project 0.77835; 1000 Genomes Project 30x 0.77904; gnomAD 0.78887 and 0.79846; TOPMed 0.80828.
gnomAD v4.1: 454,187 of 607,004 alleles (75%); highest among the groups gnomAD compares: African/African-American, 94%; 172,097 homozygotes.

Submission:

GeneDx
Classification: Benign. Last evaluated: 2018-06-14. Review status: criteria provided, single submitter. Criteria: GeneDx Variant Classification (06012015). Collection method: clinical testing. Allele origin: germline. Affected: yes.
Comment: This variant is considered likely benign or benign based on one or more of the following criteria: it is a conservative change, it occurs at a poorly conserved position in the protein, it is predicted to be benign by multiple in silico algorithms, and/or has population frequency not consistent with disease.